The following is an entry in ClinVar:

NM_001453.3(FOXC1):c.643G>A (p.Gly215Ser)

Gene: FOXC1 (forkhead box C1; plus strand). Cytogenetic location: 6p25.3.
Variant type: single nucleotide variant.
Coding change: c.643G>A on transcript NM_001453.3 (MANE Select); coding-DNA position 643, G replaced by A.
Protein change: p.Gly215Ser; replaces glycine 215 with serine.
Molecular consequence: missense variant.
Genome position (GRCh38, 1-based): chr6:1,611,088, G>A. VCF-style: chr6-1611088-G-A. GRCh37 (hg19) VCF-style: chr6-1611323-G-A.
Other names: short protein forms G215S.
Identifiers: ClinVar variation 1315481 (VCV001315481.2), dbSNP rs1762532465, ClinGen allele CA362559268.

ClinVar aggregate classification (germline): Uncertain significance (1 of 4 stars; one submission).

Submission:

GeneDx
Classification: Uncertain significance. Last evaluated: 2020-02-10. Review status: criteria provided, single submitter. Criteria: GeneDx Variant Classification Process June 2021. Collection method: clinical testing. Allele origin: germline. Affected: yes.
Comment: Not observed in large population cohorts (Lek et al., 2016); In silico analysis supports that this missense variant does not alter protein structure/function; Has not been previously published as pathogenic or benign to our knowledge